The following is an entry in ClinVar:

NM_000399.5(EGR2):c.1208G>A (p.Cys403Tyr)

Gene: EGR2 (early growth response 2; minus strand). Cytogenetic location: 10q21.3.
Variant type: single nucleotide variant.
Coding change: c.1208G>A on transcript NM_000399.5 (MANE Select); coding-DNA position 1208, G replaced by A.
Protein change: p.Cys403Tyr; replaces cysteine 403 with tyrosine.
Molecular consequence: missense variant.
Genome position (GRCh38, 1-based): chr10:62,813,430, C>T on the plus strand (G>A on the coding strand, the complement: EGR2 is on the minus strand). VCF-style: chr10-62813430-C-T. GRCh37 (hg19) VCF-style: chr10-64573190-C-T.
Other names: c.1208G>A, p.Cys403Tyr (NM_001136177.3, NM_001136178.2); c.1058G>A, p.Cys353Tyr (NM_001136179.3, NM_001321037.2); short protein forms C353Y, C403Y.
Identifiers: ClinVar variation 1062751 (VCV001062751.9), dbSNP rs2132702286, ClinGen allele CA377027353.
Genomic context (GRCh38, chr10:62,813,430, plus strand): 5'-TGTCTCAGGTGGATCTTGGTGTGGCGCTTCCTCTCATCACTCCGGGCAAACTTTCGGCCA[C>T]AGTAGTCACAGGCGAAGGGCTTCTCACCGGTGTGGGTGCGGATATGGGTGGTGAGGTGGT-3'
Protein context (NP_000390.2, residues 393-413): TGEKPFACDY[Cys403Tyr]GRKFARSDER

ClinVar aggregate classification (germline): Uncertain significance. Review status: criteria provided, multiple submitters, no conflicts (2 of 4 stars). 2 submissions from 2 submitters: Uncertain significance (2). Last evaluated 2020-09-09.

Conditions:
Charcot-Marie-Tooth disease, type I (CMT1). Also called: Charcot-Marie-Tooth, Type 1; Charcot-Marie-Tooth disease type 1. Identifiers: Orphanet 65753, MedGen C0751036, MONDO:0019011.

Submissions (2):

Labcorp Genetics (formerly Invitae), Labcorp
Classification: Uncertain significance for Charcot-Marie-Tooth disease, type I. Last evaluated: 2020-09-09. Review status: criteria provided, single submitter. Criteria: Invitae Variant Classification Sherloc (09022015). Collection method: clinical testing. Allele origin: germline.
Comment: This sequence change replaces cysteine with tyrosine at codon 403 of the EGR2 protein (p.Cys403Tyr). The cysteine residue is highly conserved and there is a large physicochemical difference between cysteine and tyrosine. This variant is not present in population databases (ExAC no frequency). This variant has been observed in individual(s) with Charcot-Marie-Tooth disease (Invitae). Algorithms developed to predict the effect of missense changes on protein structure and function are either unavailable or do not agree on the potential impact of this missense change (SIFT: "Not Available"; PolyPhen-2: "Probably Damaging"; Align-GVGD: "Not Available"). In summary, the available evidence is currently insufficient to determine the role of this variant in disease. Therefore, it has been classified as a Variant of Uncertain Significance.

GeneDx
Classification: Uncertain significance. Last evaluated: 2020-01-13. Review status: criteria provided, single submitter. Criteria: GeneDx Variant Classification Process June 2021. Collection method: clinical testing. Allele origin: germline. Affected: yes.
Comment: Not observed in large population cohorts (Lek et al., 2016); In silico analysis, which includes protein predictors and evolutionary conservation, supports a deleterious effect; Has not been previously published as pathogenic or benign to our knowledge